The following is an entry in ClinVar:

ClinVar aggregate classification (germline): Uncertain significance (1 of 4 stars; one submission).

Conditions:
Dilated cardiomyopathy 1JJ (CMD1JJ). Identifiers: Orphanet 154, MedGen C3808935, MONDO:0014095, OMIM 615235.

Submission:

Labcorp Genetics (formerly Invitae), Labcorp
Classification: Uncertain significance for Dilated cardiomyopathy 1JJ. Last evaluated: 2021-10-16. Review status: criteria provided, single submitter. Criteria: Invitae Variant Classification Sherloc (09022015). Collection method: clinical testing. Allele origin: germline.
Comment: In summary, the available evidence is currently insufficient to determine the role of this variant in disease. Therefore, it has been classified as a Variant of Uncertain Significance. Algorithms developed to predict the effect of missense changes on protein structure and function are either unavailable or do not agree on the potential impact of this missense change (SIFT: "Tolerated"; PolyPhen-2: "Probably Damaging"; Align-GVGD: "Class C0"). This variant has not been reported in the literature in individuals affected with LAMA4-related conditions. This variant is not present in population databases (ExAC no frequency). This sequence change replaces leucine with phenylalanine at codon 1225 of the LAMA4 protein (p.Leu1225Phe). The leucine residue is highly conserved and there is a small physicochemical difference between leucine and phenylalanine.

NM_001105206.3(LAMA4):c.3694C>T (p.Leu1232Phe)

Gene: LAMA4 (laminin subunit alpha 4; minus strand). Cytogenetic location: 6q21.
Variant type: single nucleotide variant.
Coding change: c.3694C>T on transcript NM_001105206.3 (MANE Select); coding-DNA position 3694, C replaced by T.
Protein change: p.Leu1232Phe; replaces leucine 1232 with phenylalanine.
Molecular consequence: missense variant.
Genome position (GRCh38, 1-based): chr6:112,133,351, G>A on the plus strand (C>T on the coding strand, the complement: LAMA4 is on the minus strand). VCF-style: chr6-112133351-G-A. GRCh37 (hg19) VCF-style: chr6-112454553-G-A.
Other names: c.3673C>T, p.Leu1225Phe (NM_001105207.3, NM_002290.5); short protein forms L1232F, L1225F.
Identifiers: ClinVar variation 1438025 (VCV001438025.6), dbSNP rs2114659675, ClinGen allele CA365375337.